The following is an entry in ClinVar:

ClinVar aggregate classification (germline): Likely pathogenic (1 of 4 stars; one submission).

Submission:

Labcorp Genetics (formerly Invitae), Labcorp
Classification: Likely pathogenic. Last evaluated: 2023-05-01. Review status: criteria provided, single submitter. Criteria: Invitae Variant Classification Sherloc (09022015). Collection method: clinical testing. Allele origin: germline.
Comment: In summary, the currently available evidence indicates that the variant is pathogenic, but additional data are needed to prove that conclusively. Therefore, this variant has been classified as Likely Pathogenic. Algorithms developed to predict the effect of sequence changes on RNA splicing suggest that this variant may disrupt the consensus splice site. This variant has not been reported in the literature in individuals affected with LOXHD1-related conditions. This variant is not present in population databases (gnomAD no frequency). This sequence change affects a donor splice site in intron 14 of the LOXHD1 gene. It is expected to disrupt RNA splicing. Variants that disrupt the donor or acceptor splice site typically lead to a loss of protein function (PMID: 16199547), and loss-of-function variants in LOXHD1 are known to be pathogenic (PMID: 19732867, 21465660, 25792669).

Literature cited by the submitters: PubMed 16199547; PubMed 19732867; PubMed 21465660; PubMed 25792669.

NM_001384474.1(LOXHD1):c.1970+2T>C

Gene: LOXHD1 (lipoxygenase homology PLAT domains 1; minus strand). Cytogenetic location: 18q21.1.
Variant type: single nucleotide variant.
Coding change: c.1970+2T>C on transcript NM_001384474.1 (MANE Select); the canonical splice donor site of the intron after coding-DNA position 1970, T replaced by C.
Molecular consequence: splice donor variant.
Genome position (GRCh38, 1-based): chr18:46,577,705, A>G on the plus strand (T>C on the coding strand, the complement: LOXHD1 is on the minus strand). VCF-style: chr18-46577705-A-G. GRCh37 (hg19) VCF-style: chr18-44157668-A-G.
Other names: c.1970+2T>C (NM_144612.7).
Identifiers: ClinVar variation 2861100 (VCV002861100.3), dbSNP rs2511882555, ClinGen allele CA402377722.
Genomic context (GRCh38, chr18:46,577,705, plus strand): 5'-TCCCAAAACACAGGGATCATAACCTAAGCTGGAGAAAACACCAGCAGGCAGGACGCATGT[A>G]CCTGAGACATGGGAACTCCACGTTGTCGCTCTCAGGCTGCCCCTCCTCTCTCACCAGCAC-3'